The following is an entry in ClinVar:

ClinVar aggregate classification (germline): Conflicting classifications of pathogenicity. Review status: criteria provided, conflicting classifications (1 of 4 stars). 8 submissions from 8 submitters: Uncertain significance (5); Likely benign (2). 1 of the submissions does not count toward it. Last evaluated 2025-12-21.

Conditions:
Classic or attenuated familial adenomatous polyposis. Identifiers: MedGen CN372698, MONDO:0021057.
Hereditary cancer-predisposing syndrome. Also called: Tumor predisposition; Hereditary Cancer Syndrome; Hereditary neoplastic syndrome; Neoplastic Syndromes, Hereditary. Identifiers: Orphanet 140162, MedGen C0027672, MeSH D009386, MONDO:0015356.
Familial adenomatous polyposis 1 (FAP1). Also called: FAMILIAL ADENOMATOUS POLYPOSIS 1, ATTENUATED; POLYPOSIS, ADENOMATOUS INTESTINAL. Identifiers: MedGen C2713442, MONDO:0021056, OMIM 175100. Disease mechanism: loss of function.

Allele frequency attached by ClinVar (database versions not stated): ExAC 0.00002; gnomAD exomes 0.00002; TOPMed 0.00002; gnomAD 0.00003; ESP Exome Variant Server 0.00008.
gnomAD v4.1: 38 of 1,613,756 alleles (0.0024%); highest among the groups gnomAD compares: Non-Finnish European, 0.0031%; no homozygotes.

Submissions (8):

Labcorp Genetics (formerly Invitae), Labcorp
Classification: Uncertain significance for Familial adenomatous polyposis 1. Last evaluated: 2025-12-21. Review status: criteria provided, single submitter. Criteria: Invitae Variant Classification Sherloc (09022015). Collection method: clinical testing. Allele origin: germline.
Comment: This sequence change replaces aspartic acid, which is acidic and polar, with glutamic acid, which is acidic and polar, at codon 2033 of the APC protein (p.Asp2033Glu). This variant is present in population databases (rs370532497, gnomAD 0.004%). This missense change has been observed in individual(s) with clinical features of APC-related conditions (PMID: 28944238, 29684080). ClinVar contains an entry for this variant (Variation ID: 181811). Invitae Evidence Modeling of protein sequence and biophysical properties (such as structural, functional, and spatial information, amino acid conservation, physicochemical variation, residue mobility, and thermodynamic stability) indicates that this missense variant is not expected to disrupt APC protein function with a negative predictive value of 95%. In summary, the available evidence is currently insufficient to determine the role of this variant in disease. Therefore, it has been classified as a Variant of Uncertain Significance.

Color Diagnostics, LLC DBA Color Health
Classification: Likely benign for Hereditary cancer-predisposing syndrome. Last evaluated: 2024-12-11. Review status: criteria provided, single submitter. Criteria: ACMG Guidelines, 2015. Collection method: clinical testing. Allele origin: germline.

GeneDx
Classification: Uncertain significance. Last evaluated: 2024-11-26. Review status: criteria provided, single submitter. Criteria: GeneDx Variant Classification Process June 2021. Collection method: clinical testing. Allele origin: germline. Affected: yes.
Comment: Not observed at significant frequency in large population cohorts (gnomAD); In silico analysis indicates that this missense variant does not alter protein structure/function; This variant is associated with the following publications: (PMID: 28944238, 29684080, 18199528)

All of Us Research Program, National Institutes of Health
Classification: Uncertain significance for Classic or attenuated familial adenomatous polyposis. Last evaluated: 2024-06-09. Review status: criteria provided, single submitter. Criteria: ACMG Guidelines, 2015. Collection method: clinical testing. Allele origin: germline. Inheritance: Autosomal dominant inheritance. Observed: 7 variant alleles, 7 heterozygotes.
Comment: This missense variant replaces aspartic acid with glutamic acid at codon 2033 of the APC protein. Computational prediction suggests that this variant may not impact protein structure and function (internally defined REVEL score threshold <= 0.5, PMID: 27666373). Splice site prediction tools suggest that this variant may not impact RNA splicing. To our knowledge, functional studies have not been performed for this variant. This variant has been reported in individuals affected with breast cancer (PMID: 29684080), or colorectal cancer (PMID: 28944238). This variant has been identified in 5/250878 chromosomes in the general population by the Genome Aggregation Database (gnomAD). The available evidence is insufficient to determine the role of this variant in disease conclusively. Therefore, this variant is classified as a Variant of Uncertain Significance.

This study involves interpretation of variants in research participants for the purpose of population health screening. Participant phenotype was not available at the time of variant classification. Additional details can be found in publication PMID: 35346344, PMCID: PMC8962531

Myriad Genetics, Inc.
Classification: Uncertain significance for Familial adenomatous polyposis 1. Last evaluated: 2023-02-17. Review status: criteria provided, single submitter. Criteria: Myriad Autosomal Dominant, Autosomal Recessive and X-Linked Classification Criteria (2023). Collection method: clinical testing. Allele origin: unknown.
Comment: This variant is classified as a variant of uncertain significance as there is insufficient evidence to determine its impact on protein function and/or cancer risk.

Sema4
Classification: Uncertain significance for Hereditary cancer-predisposing syndrome. Last evaluated: 2021-11-12. Review status: criteria provided, single submitter. Criteria: Sema4 Curation Guidelines. Collection method: curation. Allele origin: germline.
Comment: The APC c.6099C>G (p.D2033E) variant has been reported in at least 2 individuals with colorectal cancer or breast cancer (PMID: 28944238, 29684080). It was observed in 5/113320 chromosomes of the Non-Finnish European subpopulation in the large and broad cohorts of the Genome Aggregation Database (PMID: 32461654). The variant has been reported in ClinVar (Variation ID 181811). Functional studies have not been performed, and in silico predictions of the variant's effect on protein function are inconclusive. The evidence is insufficient to meet ACMG/AMP criteria for classifying the variant as benign or pathogenic. Thus, the clinical significance of this variant is currently uncertain.

Ambry Genetics
Classification: Likely benign for Hereditary cancer-predisposing syndrome. Last evaluated: 2021-09-07. Review status: criteria provided, single submitter. Criteria: Ambry Variant Classification Scheme 2023. Collection method: clinical testing. Allele origin: germline.

Counsyl
Classification: Uncertain significance for Familial adenomatous polyposis 1. Last evaluated: 2016-06-14. Review status: no assertion criteria provided. Collection method: clinical testing. Allele origin: unknown. Not counted in ClinVar's aggregate classification.

Literature cited by the submitters: PubMed 28944238 (cited by 3 submitters); PubMed 29684080 (cited by 4 submitters).

NM_000038.6(APC):c.6099C>G (p.Asp2033Glu)

Gene: APC (APC regulator of Wnt signaling pathway; plus strand). Cytogenetic location: 5q22.2.
Variant type: single nucleotide variant.
Coding change: c.6099C>G on transcript NM_000038.6 (MANE Select); coding-DNA position 6099, C replaced by G.
Protein change: p.Asp2033Glu; replaces aspartic acid 2033 with glutamic acid.
Molecular consequence: missense variant.
Genome position (GRCh38, 1-based): chr5:112,841,693, C>G. VCF-style: chr5-112841693-C-G. GRCh37 (hg19) VCF-style: chr5-112177390-C-G.
Other names: p.D2033E:GAC>GAG; c.6099C>G, p.Asp2033Glu (NM_001127510.3, NM_001354895.2); c.6045C>G, p.Asp2015Glu (NM_001127511.3); c.6153C>G, p.Asp2051Glu (NM_001354896.2); c.6129C>G, p.Asp2043Glu (NM_001354897.2); c.6024C>G, p.Asp2008Glu (NM_001354898.2); c.6015C>G, p.Asp2005Glu (NM_001354899.2); c.5976C>G, p.Asp1992Glu (NM_001354900.2); and 6 more; short protein forms D2015E, D2033E, D1907E, D2005E, D2008E, D2051E, D1873E, D1974E.
Identifiers: ClinVar variation 181811 (VCV000181811.28), dbSNP rs370532497, ClinGen allele CA010908.